The following is an entry in ClinVar:

ClinVar aggregate classification (germline): Uncertain significance (1 of 4 stars; one submission).

Conditions:
Inborn genetic diseases. Identifiers: MedGen C0950123, MeSH D030342.

Submission:

Ambry Genetics
Classification: Uncertain significance for Inborn genetic diseases. Last evaluated: 2024-09-12. Review status: criteria provided, single submitter. Criteria: Ambry Variant Classification Scheme 2023. Collection method: clinical testing. Allele origin: germline.
Comment: The p.H442Q variant (also known as c.1326C>G), located in coding exon 12 of the LRRK2 gene, results from a C to G substitution at nucleotide position 1326. The histidine at codon 442 is replaced by glutamine, an amino acid with highly similar properties. This amino acid position is conserved. In addition, this alteration is predicted to be tolerated by in silico analysis. Based on the available evidence, the clinical significance of this variant remains unclear.

NM_198578.4(LRRK2):c.1326C>G (p.His442Gln)

Gene: LRRK2 (leucine rich repeat kinase 2; plus strand). Cytogenetic location: 12q12.
Variant type: single nucleotide variant.
Coding change: c.1326C>G on transcript NM_198578.4 (MANE Select); coding-DNA position 1326, C replaced by G.
Protein change: p.His442Gln; replaces histidine 442 with glutamine.
Molecular consequence: missense variant.
Genome position (GRCh38, 1-based): chr12:40,257,285, C>G. VCF-style: chr12-40257285-C-G. GRCh37 (hg19) VCF-style: chr12-40651087-C-G.
Other names: short protein forms H442Q.
Identifiers: ClinVar variation 3540675 (VCV003540675.1).